The following is an entry in ClinVar:

NM_001365951.3(KIF1B):c.5208C>A (p.Asp1736Glu)

Gene: KIF1B (kinesin family member 1B; plus strand). Cytogenetic location: 1p36.22.
Variant type: single nucleotide variant.
Coding change: c.5208C>A on transcript NM_001365951.3 (MANE Select); coding-DNA position 5208, C replaced by A.
Protein change: p.Asp1736Glu; replaces aspartic acid 1736 with glutamic acid.
Molecular consequence: missense variant.
Genome position (GRCh38, 1-based): chr1:10,374,965, C>A. VCF-style: chr1-10374965-C-A. GRCh37 (hg19) VCF-style: chr1-10435023-C-A.
Other names: c.5208C>A, p.Asp1736Glu (NM_001365952.1); c.5070C>A, p.Asp1690Glu (NM_015074.3); short protein forms D1690E, D1736E.
Identifiers: ClinVar variation 1494247 (VCV001494247.9), dbSNP rs749483779, ClinGen allele CA17856385.

ClinVar aggregate classification (germline): Uncertain significance. Review status: criteria provided, multiple submitters, no conflicts (2 of 4 stars). 3 submissions from 3 submitters: Uncertain significance (3). Last evaluated 2025-06-02.

Conditions:
Charcot-Marie-Tooth disease type 2. Also called: Charcot-Marie-Tooth type 2. Identifiers: Orphanet 64746, MedGen C0270914, MONDO:0018993.
Neuroblastoma, susceptibility to, 1. Identifiers: MedGen C2749485, MONDO:0009741, OMIM 256700.
Charcot-Marie-Tooth disease type 2A1. Also called: CHARCOT-MARIE-TOOTH DISEASE, AXONAL, TYPE 2A1; CHARCOT-MARIE-TOOTH DISEASE, AXONAL, AUTOSOMAL DOMINANT, TYPE 2A1; CHARCOT-MARIE-TOOTH DISEASE, NEURONAL, TYPE 2A1; CHARCOT-MARIE-TOOTH NEUROPATHY, TYPE 2A1; HEREDITARY MOTOR AND SENSORY NEUROPATHY IIA1. Identifiers: Orphanet 99946, MedGen C1861678, MONDO:0007308, OMIM 118210.

Allele frequency attached by ClinVar (database versions not stated): TOPMed 0.00001.
gnomAD v4.1: 1 of 1,614,090 alleles (0.000062%); highest among the groups gnomAD compares: Non-Finnish European, 0.000085%; no homozygotes.

Submissions (3):

Ambry Genetics
Classification: Uncertain significance. Last evaluated: 2025-06-02. Review status: criteria provided, single submitter. Criteria: Ambry Variant Classification Scheme 2023. Collection method: clinical testing. Allele origin: germline.
Comment: The p.D1690E variant (also known as c.5070C>A), located in coding exon 44 of the KIF1B gene, results from a C to A substitution at nucleotide position 5070. The aspartic acid at codon 1690 is replaced by glutamic acid, an amino acid with highly similar properties. This amino acid position is highly conserved in available vertebrate species. In addition, this alteration is predicted to be tolerated by in silico analysis. The evidence for this gene-disease relationship is limited; therefore, the clinical significance of this alteration is unclear.

Fulgent Genetics
Classification: Uncertain significance for Charcot-Marie-Tooth disease type 2A1; Neuroblastoma, susceptibility to, 1. Last evaluated: 2024-06-21. Review status: criteria provided, single submitter. Criteria: ACMG Guidelines, 2015. Collection method: clinical testing. Allele origin: germline.

Labcorp Genetics (formerly Invitae), Labcorp
Classification: Uncertain significance for Charcot-Marie-Tooth disease type 2. Last evaluated: 2023-12-02. Review status: criteria provided, single submitter. Criteria: Invitae Variant Classification Sherloc (09022015). Collection method: clinical testing. Allele origin: germline.
Comment: This sequence change replaces aspartic acid, which is acidic and polar, with glutamic acid, which is acidic and polar, at codon 1690 of the KIF1B protein (p.Asp1690Glu). This variant is not present in population databases (gnomAD no frequency). This variant has not been reported in the literature in individuals affected with KIF1B-related conditions. ClinVar contains an entry for this variant (Variation ID: 1494247). An algorithm developed to predict the effect of missense changes on protein structure and function (PolyPhen-2) suggests that this variant is likely to be disruptive. In summary, the available evidence is currently insufficient to determine the role of this variant in disease. Therefore, it has been classified as a Variant of Uncertain Significance.